The following is an entry in ClinVar:

ClinVar aggregate classification (germline): Uncertain significance (1 of 4 stars; one submission).

Submission:

Ambry Genetics
Classification: Uncertain significance. Last evaluated: 2024-10-15. Review status: criteria provided, single submitter. Criteria: Ambry Variant Classification Scheme 2023. Collection method: clinical testing. Allele origin: germline.
Comment: The p.D1131N variant (also known as c.3391G>A), located in coding exon 16 of the POLQ gene, results from a G to A substitution at nucleotide position 3391. The aspartic acid at codon 1131 is replaced by asparagine, an amino acid with highly similar properties. This amino acid position is conserved. In addition, this alteration is predicted to be tolerated by in silico analysis. Based on the available evidence, the clinical significance of this variant remains unclear.

NM_199420.4(POLQ):c.3391G>A (p.Asp1131Asn)

Gene: POLQ (DNA polymerase theta; minus strand). Cytogenetic location: 3q13.33.
Variant type: single nucleotide variant.
Coding change: c.3391G>A on transcript NM_199420.4 (MANE Select); coding-DNA position 3391, G replaced by A.
Protein change: p.Asp1131Asn; replaces aspartic acid 1131 with asparagine.
Molecular consequence: missense variant.
Genome position (GRCh38, 1-based): chr3:121,489,540, C>T on the plus strand (G>A on the coding strand, the complement: POLQ is on the minus strand). VCF-style: chr3-121489540-C-T. GRCh37 (hg19) VCF-style: chr3-121208387-C-T.
Other names: short protein forms D1131N.
Identifiers: ClinVar variation 3422599 (VCV003422599.1).